The following is an entry in ClinVar:

ClinVar aggregate classification (germline): Uncertain significance. Review status: criteria provided, multiple submitters, no conflicts (2 of 4 stars). 3 submissions from 3 submitters: Uncertain significance (3). Last evaluated 2025-11-03.

Conditions:
Inborn genetic diseases. Identifiers: MedGen C0950123, MeSH D030342.

Allele frequency attached by ClinVar (database versions not stated): gnomAD exomes below 0.00001; TOPMed below 0.00001; ExAC 0.00001; gnomAD 0.00001.
gnomAD v4.1: 4 of 1,613,892 alleles (0.00025%); highest among the groups gnomAD compares: South Asian, 0.0033%; no homozygotes.

Submissions (3):

Labcorp Genetics (formerly Invitae), Labcorp
Classification: Uncertain significance. Last evaluated: 2025-11-03. Review status: criteria provided, single submitter. Criteria: Invitae Variant Classification Sherloc (09022015). Collection method: clinical testing. Allele origin: germline.
Comment: This sequence change replaces arginine, which is basic and polar, with tryptophan, which is neutral and slightly polar, at codon 668 of the ATR protein (p.Arg668Trp). This variant is present in population databases (rs761352811, gnomAD 0.003%). This variant has not been reported in the literature in individuals affected with ATR-related conditions. ClinVar contains an entry for this variant (Variation ID: 1784265). An algorithm developed to predict the effect of missense changes on protein structure and function (PolyPhen-2) suggests that this variant is likely to be disruptive. In summary, the available evidence is currently insufficient to determine the role of this variant in disease. Therefore, it has been classified as a Variant of Uncertain Significance.

Blueprint Genetics
Classification: Uncertain significance. Last evaluated: 2022-07-06. Review status: criteria provided, single submitter. Criteria: ACMG Guidelines, 2015. Collection method: clinical testing. Allele origin: germline.

Ambry Genetics
Classification: Uncertain significance for Inborn genetic diseases. Last evaluated: 2021-09-16. Review status: criteria provided, single submitter. Criteria: Ambry Variant Classification Scheme 2023. Collection method: clinical testing. Allele origin: germline.
Comment: The p.R668W variant (also known as c.2002C>T), located in coding exon 9 of the ATR gene, results from a C to T substitution at nucleotide position 2002. The arginine at codon 668 is replaced by tryptophan, an amino acid with dissimilar properties. This amino acid position is conserved. In addition, this alteration is predicted to be deleterious by in silico analysis. Since supporting evidence is limited at this time, the clinical significance of this alteration remains unclear.

NM_001184.4(ATR):c.2002C>T (p.Arg668Trp)

Gene: ATR (ATR checkpoint kinase; minus strand). Cytogenetic location: 3q23.
Variant type: single nucleotide variant.
Coding change: c.2002C>T on transcript NM_001184.4 (MANE Select); coding-DNA position 2002, C replaced by T.
Protein change: p.Arg668Trp; replaces arginine 668 with tryptophan.
Molecular consequence: missense variant.
Genome position (GRCh38, 1-based): chr3:142,556,459, G>A on the plus strand (C>T on the coding strand, the complement: ATR is on the minus strand). VCF-style: chr3-142556459-G-A. GRCh37 (hg19) VCF-style: chr3-142275301-G-A.
Other names: c.1810C>T, p.Arg604Trp (NM_001354579.2); short protein forms R604W, R668W.
Identifiers: ClinVar variation 1784265 (VCV001784265.4), dbSNP rs761352811, ClinGen allele CA2650454.